The following is an entry in ClinVar:

NM_001182.5(ALDH7A1):c.761G>A (p.Gly254Glu)

Gene: ALDH7A1 (aldehyde dehydrogenase 7 family member A1; minus strand). Cytogenetic location: 5q23.2.
Variant type: single nucleotide variant.
Coding change: c.761G>A on transcript NM_001182.5 (MANE Select); coding-DNA position 761, G replaced by A.
Protein change: p.Gly254Glu; replaces glycine 254 with glutamic acid.
Molecular consequence: missense variant.
Genome position (GRCh38, 1-based): chr5:126,570,794, C>T on the plus strand (G>A on the coding strand, the complement: ALDH7A1 is on the minus strand). VCF-style: chr5-126570794-C-T. GRCh37 (hg19) VCF-style: chr5-125906486-C-T.
Other names: c.677G>A, p.Gly226Glu (NM_001201377.2); c.761G>A, p.Gly254Glu (NM_001202404.2); short protein forms G226E, G254E.
Identifiers: ClinVar variation 2043566 (VCV002043566.4), dbSNP rs2480304588, ClinGen allele CA360730076.

ClinVar aggregate classification (germline): Uncertain significance (1 of 4 stars; one submission).

Conditions:
Pyridoxine-dependent epilepsy (EPEO4). Also called: PYRIDOXINE DEPENDENCY WITH SEIZURES; Pyridoxine-Dependent Seizures; Pyridoxine-Dependent Epilepsy - ALDH7A1; EPILEPSY, EARLY-ONSET, 4, VITAMIN B6-DEPENDENT. Identifiers: Orphanet 3006, MedGen C1849508, MONDO:0009945, OMIM 266100. Disease mechanism: loss of function.

Submission:

Labcorp Genetics (formerly Invitae), Labcorp
Classification: Uncertain significance for Pyridoxine-dependent epilepsy. Last evaluated: 2022-05-14. Review status: criteria provided, single submitter. Criteria: Invitae Variant Classification Sherloc (09022015). Collection method: clinical testing. Allele origin: germline.
Comment: This sequence change replaces glycine, which is neutral and non-polar, with glutamic acid, which is acidic and polar, at codon 254 of the ALDH7A1 protein (p.Gly254Glu). This variant is not present in population databases (gnomAD no frequency). This variant has not been reported in the literature in individuals affected with ALDH7A1-related conditions. Advanced modeling of protein sequence and biophysical properties (such as structural, functional, and spatial information, amino acid conservation, physicochemical variation, residue mobility, and thermodynamic stability) performed at Invitae indicates that this missense variant is expected to disrupt ALDH7A1 protein function. In summary, the available evidence is currently insufficient to determine the role of this variant in disease. Therefore, it has been classified as a Variant of Uncertain Significance.